The following is an entry in ClinVar:

NM_001110556.2(FLNA):c.7908C>T (p.His2636=)

Genes: FLNA (filamin A; minus strand), LOC107988032 (Xq28 proximal FLNA-EMD recombination region; plus strand). Cytogenetic location: Xq28.
Variant type: single nucleotide variant.
Coding change: c.7908C>T on transcript NM_001110556.2 (MANE Select); coding-DNA position 7908, C replaced by T.
Protein change: p.His2636=; no amino-acid change (histidine 2636 retained).
Molecular consequence: synonymous variant.
Genome position (GRCh38, 1-based): chrX:154,348,885, G>A on the plus strand (C>T on the coding strand, the complement: FLNA is on the minus strand). VCF-style: chrX-154348885-G-A. GRCh37 (hg19) VCF-style: chrX-153577253-G-A.
Other names: c.7884C>T, p.His2628= (NM_001456.4); c.7908C>T (NM_001110556.1); c.7884C>T (NM_001456.3).
Identifiers: ClinVar variation 2179546 (VCV002179546.6), dbSNP rs781912776, ClinGen allele CA10559809.
Genomic context (GRCh38, chrX:154,348,885, plus strand): 5'-TGCCGGCTGGCACGGGCCCCAGACTCAGGGCACCACAACGCGGTAGGGGCTGCCTGGGAT[G>A]TGCTCGTCCCCCCATTTGACCACCAGTGTGTACTCCCCCTTGTCCTTGAGCAGGTAGGAC-3'
Protein context (NP_001104026.1, residues 2626-2646): YTLVVKWGDE[His2636=]IPGSPYRVVV

ClinVar aggregate classification (germline): Likely benign. Review status: criteria provided, multiple submitters, no conflicts (2 of 4 stars). 3 submissions from 3 submitters: Likely benign (2). 1 of the submissions does not count toward it. Last evaluated 2025-06-08.

Conditions:
Oto-palato-digital syndrome, type II (OPD2). Also called: FACIOPALATOOSSEOUS SYNDROME; OPD II SYNDROME; Otopalatodigital Syndrome, Type II; Otopalatodigital Syndrome Type 2 (FLNA-OPD2). Identifiers: Orphanet 669, Orphanet 90652, MedGen C1844696, MONDO:0010571, OMIM 304120.
Frontometaphyseal dysplasia (FMD1). Identifiers: Orphanet 1826, MedGen C0265293, MONDO:0015942.
Melnick-Needles syndrome (MNS). Also called: MELNICK-NEEDLES OSTEODYSPLASTY; OSTEODYSPLASTY OF MELNICK AND NEEDLES; Melnick-Needles Syndrome (FLNA-MNS). Identifiers: Orphanet 2484, MedGen C0025237, MONDO:0010650, OMIM 309350.
Heterotopia, periventricular, X-linked dominant (PVNH1). Also called: PERIVENTRICULAR NODULAR HETEROTOPIA 4; HETEROTOPIA, PERIVENTRICULAR, 1; PERIVENTRICULAR NODULAR HETEROTOPIA 1; X-linked periventricular heterotopia. Identifiers: Orphanet 2149, Orphanet 82004, MedGen C1848213, MONDO:0010233, OMIM 300049.
FLNA-related disorder.
Familial thoracic aortic aneurysm and aortic dissection (TAAD). Also called: Thoracic aortic aneurysms and dissections. Identifiers: Orphanet 91387, MedGen C4707243, MONDO:0019625.

Allele frequency attached by ClinVar (database versions not stated): ExAC 0.00001; gnomAD exomes 0.00001; TOPMed 0.00001.
gnomAD v4.1: 7 of 1,210,681 alleles (0.00058%); highest among the groups gnomAD compares: Admixed American, 0.0022%; no homozygotes.

Submissions (3):

Labcorp Genetics (formerly Invitae), Labcorp
Classification: Likely benign for Oto-palato-digital syndrome, type II; Heterotopia, periventricular, X-linked dominant; Frontometaphyseal dysplasia; Melnick-Needles syndrome. Last evaluated: 2025-06-08. Review status: criteria provided, single submitter. Criteria: Invitae Variant Classification Sherloc (09022015). Collection method: clinical testing. Allele origin: germline.

Ambry Genetics
Classification: Likely benign for Familial thoracic aortic aneurysm and aortic dissection. Last evaluated: 2024-06-12. Review status: criteria provided, single submitter. Criteria: Ambry Variant Classification Scheme 2023. Collection method: clinical testing. Allele origin: germline.

PreventionGenetics, part of Exact Sciences
Classification: Likely benign for FLNA-related condition. Last evaluated: 2019-08-01. Review status: no assertion criteria provided. Collection method: clinical testing. Allele origin: germline. Not counted in ClinVar's aggregate classification.
Comment: This variant is classified as likely benign based on ACMG/AMP sequence variant interpretation guidelines (Richards et al. 2015 PMID: 25741868, with internal and published modifications).